The following is an entry in ClinVar:

ClinVar aggregate classification (germline): Uncertain significance. Review status: criteria provided, multiple submitters, no conflicts (2 of 4 stars). 2 submissions from 2 submitters: Uncertain significance (2). Last evaluated 2026-07-31.

Conditions:
Inborn genetic diseases. Identifiers: MedGen C0950123, MeSH D030342.
CACNA1F-related disorder. Also called: CACNA1F-related condition.

gnomAD v4.1: 17 of 1,201,434 alleles (0.0014%); highest among the groups gnomAD compares: African/African-American, 0.0018%; no homozygotes.

Submissions (2):

PreventionGenetics, part of Exact Sciences
Classification: Uncertain significance for CACNA1F-related condition. Last evaluated: 2026-07-31. Review status: criteria provided, single submitter. Criteria: ACMG Guidelines, 2015. Collection method: clinical testing. Allele origin: germline.
Comment: The CACNA1F c.3361A>G variant is predicted to result in the amino acid substitution p.Ile1121Val. To our knowledge, this variant has not been reported in the literature or in a large population database (gnomAD), indicating this variant is rare. At this time, the clinical significance of this variant is uncertain due to the absence of conclusive functional and genetic evidence.

Ambry Genetics
Classification: Uncertain significance for Inborn genetic diseases. Last evaluated: 2025-07-02. Review status: criteria provided, single submitter. Criteria: Ambry Variant Classification Scheme 2023. Collection method: clinical testing. Allele origin: germline.

NM_001256789.3(CACNA1F):c.3328A>G (p.Ile1110Val)

Gene: CACNA1F (calcium voltage-gated channel subunit alpha1 F; minus strand). Cytogenetic location: Xp11.23.
Variant type: single nucleotide variant.
Coding change: c.3328A>G on transcript NM_001256789.3 (MANE Select); coding-DNA position 3328, A replaced by G.
Protein change: p.Ile1110Val; replaces isoleucine 1110 with valine.
Molecular consequence: missense variant.
Genome position (GRCh38, 1-based): chrX:49,215,452, T>C on the plus strand (A>G on the coding strand, the complement: CACNA1F is on the minus strand). VCF-style: chrX-49215452-T-C. GRCh37 (hg19) VCF-style: chrX-49071912-T-C.
Other names: c.3166A>G, p.Ile1056Val (NM_001256790.3); c.3361A>G, p.Ile1121Val (NM_005183.4); c.3361A>G (NM_005183.3); short protein forms I1056V, I1121V, I1110V.
Identifiers: ClinVar variation 4217822 (VCV004217822.2).
Genomic context (GRCh38, chrX:49,215,452, plus strand): 5'-GGAAAGTGATGATGACGAAGCCCACGAAGATGTTCATCATGAAGAACGCAATGATGATGA[T>C]GTAGACAATGAAGAACACTGAGATCTCCACACGGTAATTATAGATGGGGCCGTGGTCCTC-3'
Protein context (NP_001243718.1, residues 1100-1120): VEISVFFIVY[Ile1110Val]IIIAFFMMNI